The following is an entry in ClinVar:

ClinVar aggregate classification (germline): Benign/Likely benign. Review status: criteria provided, multiple submitters, no conflicts (2 of 4 stars). 6 submissions from 6 submitters: Benign (5); Likely benign (1). Last evaluated 2026-01-16.

Conditions:
Neuropathy, hereditary sensory and autonomic, type 1C. Also called: HSAN IC; HSN IC. Identifiers: Orphanet 36386, MedGen C3150896, MONDO:0013337, OMIM 613640.

Allele frequency attached by ClinVar (database versions not stated): gnomAD exomes 0.00120; ExAC 0.00137; ESP Exome Variant Server 0.00400; gnomAD 0.00410 and 0.00430; TOPMed 0.00465; 1000 Genomes Project 0.00499; 1000 Genomes Project 30x 0.00593.
gnomAD v4.1: 1,239 of 1,614,028 alleles (0.077%); highest among the groups gnomAD compares: African/African-American, 1.3%; 12 homozygotes.

Submissions (6):

Labcorp Genetics (formerly Invitae), Labcorp
Classification: Benign for Neuropathy, hereditary sensory and autonomic, type 1C. Last evaluated: 2026-01-16. Review status: criteria provided, single submitter. Criteria: Invitae Variant Classification Sherloc (09022015). Collection method: clinical testing. Allele origin: germline.

Blueprint Genetics
Classification: Likely benign. Last evaluated: 2024-11-11. Review status: criteria provided, single submitter. Criteria: ACMG Guidelines, 2015. Collection method: clinical testing. Allele origin: germline.

Mayo Clinic Laboratories, Mayo Clinic
Classification: Benign. Last evaluated: 2023-06-14. Review status: criteria provided, single submitter. Criteria: ACMG Guidelines, 2015. Collection method: clinical testing. Allele origin: germline. Observed: 5 variant alleles.
Comment: BA1, BP4, BP7

Illumina Laboratory Services, Illumina
Classification: Benign for Neuropathy, hereditary sensory and autonomic, type 1C. Last evaluated: 2018-01-12. Review status: criteria provided, single submitter. Criteria: ICSL Variant Classification Criteria 13 December 2019. Collection method: clinical testing. Allele origin: germline.
Comment: This variant was observed in the ICSL laboratory as part of a predisposition screen in an ostensibly healthy population. It had not been previously curated by ICSL or reported in the Human Gene Mutation Database (HGMD: prior to June 1st, 2018), and was therefore a candidate for classification through an automated scoring system. Utilizing variant allele frequency, disease prevalence and penetrance estimates, and inheritance mode, an automated score was calculated to assess if this variant is too frequent to cause the disease. Based on the score and internal cut-off values, a variant classified as benign is not then subjected to further curation. The score for this variant resulted in a classification of benign for this disease.

GeneDx
Classification: Benign. Last evaluated: 2016-06-09. Review status: criteria provided, single submitter. Criteria: GeneDx Variant Classification (06012015). Collection method: clinical testing. Allele origin: germline. Affected: yes.
Comment: This variant is considered likely benign or benign based on one or more of the following criteria: it is a conservative change, it occurs at a poorly conserved position in the protein, it is predicted to be benign by multiple in silico algorithms, and/or has population frequency not consistent with disease.

Breakthrough Genomics
Classification: Benign. Review status: criteria provided, single submitter. Criteria: ACMG Guidelines, 2015. Collection method: not provided. Allele origin: germline. Inheritance: Autosomal dominant inheritance. Affected: yes.

NM_004863.4(SPTLC2):c.506G>C (p.Gly169Ala)

Gene: SPTLC2 (serine palmitoyltransferase long chain base subunit 2; minus strand). Cytogenetic location: 14q24.3.
Variant type: single nucleotide variant.
Coding change: c.506G>C on transcript NM_004863.4 (MANE Select); coding-DNA position 506, G replaced by C.
Protein change: p.Gly169Ala; replaces glycine 169 with alanine.
Molecular consequence: missense variant.
Genome position (GRCh38, 1-based): chr14:77,576,892, C>G on the plus strand (G>C on the coding strand, the complement: SPTLC2 is on the minus strand). VCF-style: chr14-77576892-C-G. GRCh37 (hg19) VCF-style: chr14-78043235-C-G.
Other names: p.Gly169Ala; short protein forms G169A.
Identifiers: ClinVar variation 314678 (VCV000314678.18), dbSNP rs75565823, ClinGen allele CA7289429.